The following is an entry in ClinVar:

ClinVar aggregate classification (germline): Uncertain significance (1 of 4 stars; one submission).

Conditions:
Noonan syndrome 9 (NS9). Identifiers: Orphanet 648, MedGen C4225282, MONDO:0014691, OMIM 616559.

Submission:

Labcorp Genetics (formerly Invitae), Labcorp
Classification: Uncertain significance for Noonan syndrome 9. Last evaluated: 2023-12-30. Review status: criteria provided, single submitter. Criteria: Invitae Variant Classification Sherloc (09022015). Collection method: clinical testing. Allele origin: germline.
Comment: This sequence change replaces phenylalanine, which is neutral and non-polar, with cysteine, which is neutral and slightly polar, at codon 442 of the SOS2 protein (p.Phe442Cys). This variant is not present in population databases (gnomAD no frequency). This variant has not been reported in the literature in individuals affected with SOS2-related conditions. Advanced modeling of protein sequence and biophysical properties (such as structural, functional, and spatial information, amino acid conservation, physicochemical variation, residue mobility, and thermodynamic stability) performed at Invitae indicates that this missense variant is expected to disrupt SOS2 protein function with a positive predictive value of 95%. In summary, the available evidence is currently insufficient to determine the role of this variant in disease. Therefore, it has been classified as a Variant of Uncertain Significance.

NM_006939.4(SOS2):c.1325T>G (p.Phe442Cys)

Gene: SOS2 (SOS Ras/Rho guanine nucleotide exchange factor 2; minus strand). Cytogenetic location: 14q21.3.
Variant type: single nucleotide variant.
Coding change: c.1325T>G on transcript NM_006939.4 (MANE Select); coding-DNA position 1325, T replaced by G.
Protein change: p.Phe442Cys; replaces phenylalanine 442 with cysteine.
Molecular consequence: missense variant.
Genome position (GRCh38, 1-based): chr14:50,159,958, A>C on the plus strand (T>G on the coding strand, the complement: SOS2 is on the minus strand). VCF-style: chr14-50159958-A-C. GRCh37 (hg19) VCF-style: chr14-50626676-A-C.
Other names: c.1226T>G, p.Phe409Cys (NM_001411020.1); short protein forms F409C, F442C.
Identifiers: ClinVar variation 2706563 (VCV002706563.3), dbSNP rs2502991541, ClinGen allele CA389646042.